The following is an entry in ClinVar:

NM_001267550.2(TTN):c.106201G>A (p.Glu35401Lys)

Genes: TTN (titin; minus strand), TTN-AS1 (TTN antisense RNA 1; plus strand). Cytogenetic location: 2q31.2.
Variant type: single nucleotide variant.
Coding change: c.106201G>A on transcript NM_001267550.2 (MANE Select); coding-DNA position 106201, G replaced by A.
Protein change: p.Glu35401Lys; replaces glutamic acid 35401 with lysine.
Molecular consequence: missense variant.
Genome position (GRCh38, 1-based): chr2:178,530,414, C>T on the plus strand (G>A on the coding strand, the complement: TTN is on the minus strand). VCF-style: chr2-178530414-C-T. GRCh37 (hg19) VCF-style: chr2-179395141-C-T.
Other names: c.101278G>A, p.Glu33760Lys (NM_001256850.1); c.79006G>A, p.Glu26336Lys (NM_003319.4); c.98497G>A, p.Glu32833Lys (NM_133378.4); c.79381G>A, p.Glu26461Lys (NM_133432.3); c.79582G>A, p.Glu26528Lys (NM_133437.4); short protein forms E26336K, E26461K, E26528K, E32833K, E33760K, E35401K.
Identifiers: ClinVar variation 1435156 (VCV001435156.8), dbSNP rs2154132721, ClinGen allele CA349406643.
Genomic context (GRCh38, chr2:178,530,414, plus strand): 5'-CTGGTTTTGAGGAAATTGGTTCAGGAGCTTTTGGTTCAGTTTTTCTGGTTACTGTTGACT[C>T]AGTGGTTTTCTGATCTGATTTCTTAGTTTCTGATATTTTTGATACCTTCTCATGGATACT-3'
Protein context (NP_001254479.2, residues 35391-35411): ETKKSDQKTT[Glu35401Lys]STVTRKTEPK

ClinVar aggregate classification (germline): Uncertain significance (1 of 4 stars; one submission).

Conditions:
Autosomal recessive limb-girdle muscular dystrophy type 2J (LGMDR10). Also called: Limb-girdle muscular dystrophy, type 2J; MUSCULAR DYSTROPHY, LIMB-GIRDLE, AUTOSOMAL RECESSIVE 10. Identifiers: Orphanet 140922, MedGen C1837342, MONDO:0012127, OMIM 608807.
Dilated cardiomyopathy 1G (CMD1G). Identifiers: Orphanet 154, MedGen C1858763, MONDO:0011400, OMIM 604145.
Primary dilated cardiomyopathy (DCM). Also called: Dilated Cardiomyopathy. Identifiers: Orphanet 217604, MedGen C0007193, MeSH D002311, MONDO:0005021, HP:0001644. Inheritance: Various modes of inheritance.
Tibial muscular dystrophy (TMD). Also called: Udd Distal Myopathy – Tibial Muscular Dystrophy; Tibial muscular dystrophy, tardive; UDD MYOPATHY. Identifiers: Orphanet 609, MedGen C1838244, MONDO:0010870, OMIM 600334.

gnomAD v4.1: 3 of 1,613,978 alleles (0.00019%); highest among the groups gnomAD compares: Non-Finnish European, 0.00025%; no homozygotes.

Submission:

Labcorp Genetics (formerly Invitae), Labcorp
Classification: Uncertain significance for Dilated cardiomyopathy 1G; Autosomal recessive limb-girdle muscular dystrophy type 2J. Last evaluated: 2024-01-18. Review status: criteria provided, single submitter. Criteria: Invitae Variant Classification Sherloc (09022015). Collection method: clinical testing. Allele origin: germline.
Comment: This sequence change replaces glutamic acid, which is acidic and polar, with lysine, which is basic and polar, at codon 35401 of the TTN protein (p.Glu35401Lys). This variant is not present in population databases (gnomAD no frequency). This variant has not been reported in the literature in individuals affected with TTN-related conditions. ClinVar contains an entry for this variant (Variation ID: 1435156). Experimental studies and prediction algorithms are not available or were not evaluated, and the functional significance of this variant is currently unknown. This variant is located in the M band of TTN (PMID: 25589632). Non-truncating variants in this region may be relevant for neuromuscular disorders, but have not been definitively shown to cause cardiomyopathy (PMID: 23975875). In summary, the available evidence is currently insufficient to determine the role of this variant in disease. Therefore, it has been classified as a Variant of Uncertain Significance.

Literature cited by the submitters: PubMed 25589632 (cited by Labcorp Genetics (formerly Invitae), Labcorp); PubMed 23975875 (cited by Labcorp Genetics (formerly Invitae), Labcorp).